The following is an entry in ClinVar:

ClinVar aggregate classification (germline): Uncertain significance. Review status: criteria provided, multiple submitters, no conflicts (2 of 4 stars). 3 submissions from 3 submitters: Uncertain significance (3). Last evaluated 2024-12-04.

Conditions:
Hereditary cancer-predisposing syndrome. Also called: Neoplastic Syndromes, Hereditary; Hereditary neoplastic syndrome; Tumor predisposition; Hereditary Cancer Syndrome. Identifiers: Orphanet 140162, MedGen C0027672, MeSH D009386, MONDO:0015356.
Ataxia-telangiectasia syndrome (AT). Also called: Ataxia telangiectasia (A-T); Cerebello-oculocutaneous telangiectasia; Immunodeficiency with ataxia telangiectasia; LOUIS-BAR SYNDROME; AT, COMPLEMENTATION GROUP C; ATAXIA-TELANGIECTASIA, FRESNO VARIANT. Identifiers: Orphanet 100, MedGen C0004135, MONDO:0008840, OMIM 208900.

Allele frequency attached by ClinVar (database versions not stated): ExAC 0.00001.

Submissions (3):

Ambry Genetics
Classification: Uncertain significance for Hereditary cancer-predisposing syndrome. Last evaluated: 2024-12-04. Review status: criteria provided, single submitter. Criteria: Ambry Variant Classification Scheme 2023. Collection method: clinical testing. Allele origin: germline.
Comment: The p.C2770G variant (also known as c.8308T>G), located in coding exon 56 of the ATM gene, results from a T to G substitution at nucleotide position 8308. The cysteine at codon 2770 is replaced by glycine, an amino acid with highly dissimilar properties. This amino acid position is highly conserved in available vertebrate species. In addition, this alteration is predicted to be deleterious by in silico analysis. Based on the available evidence, the clinical significance of this variant remains unclear.

GeneDx
Classification: Uncertain significance. Last evaluated: 2023-09-19. Review status: criteria provided, single submitter. Criteria: GeneDx Variant Classification Process June 2021. Collection method: clinical testing. Allele origin: germline. Affected: yes.
Comment: Not observed at significant frequency in large population cohorts (gnomAD); In silico analysis supports that this missense variant has a deleterious effect on protein structure/function; Identified in individual(s) referred for hereditary cancer multi-gene panel testing (PMID: 27720647); This variant is associated with the following publications: (PMID: 23532176, 27720647)

Labcorp Genetics (formerly Invitae), Labcorp
Classification: Uncertain significance for Ataxia-telangiectasia syndrome. Last evaluated: 2023-08-09. Review status: criteria provided, single submitter. Criteria: Invitae Variant Classification Sherloc (09022015). Collection method: clinical testing. Allele origin: germline.
Comment: In summary, the available evidence is currently insufficient to determine the role of this variant in disease. Therefore, it has been classified as a Variant of Uncertain Significance. An algorithm developed to predict the effect of missense changes on protein structure and function (PolyPhen-2) suggests that this variant is likely to be disruptive. ClinVar contains an entry for this variant (Variation ID: 233165). This variant has not been reported in the literature in individuals affected with ATM-related conditions. This variant is not present in population databases (gnomAD no frequency). This sequence change replaces cysteine, which is neutral and slightly polar, with glycine, which is neutral and non-polar, at codon 2770 of the ATM protein (p.Cys2770Gly).

NM_000051.4(ATM):c.8308T>G (p.Cys2770Gly)

Genes: ATM (ATM serine/threonine kinase; plus strand), C11orf65 (chromosome 11 open reading frame 65; minus strand). Cytogenetic location: 11q22.3.
Variant type: single nucleotide variant.
Coding change: c.8308T>G on transcript NM_000051.4 (MANE Select); coding-DNA position 8308, T replaced by G.
Protein change: p.Cys2770Gly; replaces cysteine 2770 with glycine.
Molecular consequence: missense variant. On other transcripts: intron variant (2).
Genome position (GRCh38, 1-based): chr11:108,343,261, T>G. VCF-style: chr11-108343261-T-G. GRCh37 (hg19) VCF-style: chr11-108213988-T-G.
Other names: c.8308T>G, p.Cys2770Gly (NM_001351834.2); c.641-34190A>C (NM_001330368.2); c.695-7969A>C (NM_001351110.2); short protein forms C2770G.
Identifiers: ClinVar variation 233165 (VCV000233165.10), dbSNP rs749737164, ClinGen allele CA6266349.